The following is an entry in ClinVar:

ClinVar aggregate classification (germline): Uncertain significance (1 of 4 stars; one submission).

Conditions:
SEMA3A-related disorder. Also called: SEMA3A-related condition.

gnomAD v4.1: 5 of 1,613,978 alleles (0.00031%); highest among the groups gnomAD compares: Admixed American, 0.0067%; no homozygotes.

Submission:

PreventionGenetics, part of Exact Sciences
Classification: Uncertain significance for SEMA3A-related condition. Last evaluated: 2025-10-09. Review status: criteria provided, single submitter. Criteria: ACMG Guidelines, 2015. Collection method: clinical testing. Allele origin: germline.
Comment: The SEMA3A c.2257A>G variant is predicted to result in the amino acid substitution p.Asn753Asp. To our knowledge, this variant has not been reported in the literature. This variant is reported in 0.0029% of alleles in individuals of Latino descent in gnomAD. At this time, the clinical significance of this variant is uncertain due to the absence of conclusive functional and genetic evidence.

NM_006080.3(SEMA3A):c.2257A>G (p.Asn753Asp)

Gene: SEMA3A (semaphorin 3A; minus strand). Cytogenetic location: 7q21.11.
Variant type: single nucleotide variant.
Coding change: c.2257A>G on transcript NM_006080.3 (MANE Select); coding-DNA position 2257, A replaced by G.
Protein change: p.Asn753Asp; replaces asparagine 753 with aspartic acid.
Molecular consequence: missense variant.
Genome position (GRCh38, 1-based): chr7:83,961,430, T>C on the plus strand (A>G on the coding strand, the complement: SEMA3A is on the minus strand). VCF-style: chr7-83961430-T-C. GRCh37 (hg19) VCF-style: chr7-83590746-T-C.
Other names: short protein forms N753D.
Identifiers: ClinVar variation 4985860 (VCV004985860.1).